The following is an entry in ClinVar:

NM_000479.5(AMH):c.766G>C (p.Glu256Gln)

Gene: AMH (anti-Mullerian hormone; plus strand). Cytogenetic location: 19p13.3.
Variant type: single nucleotide variant.
Coding change: c.766G>C on transcript NM_000479.5 (MANE Select); coding-DNA position 766, G replaced by C.
Protein change: p.Glu256Gln; replaces glutamic acid 256 with glutamine.
Molecular consequence: missense variant.
Genome position (GRCh38, 1-based): chr19:2,250,950, G>C. VCF-style: chr19-2250950-G-C. GRCh37 (hg19) VCF-style: chr19-2250949-G-C.
Other names: short protein forms E256Q.
Identifiers: ClinVar variation 1911163 (VCV001911163.6), dbSNP rs750351723, ClinGen allele CA9062969.

ClinVar aggregate classification (germline): Uncertain significance. Review status: criteria provided, multiple submitters, no conflicts (2 of 4 stars). 2 submissions from 2 submitters: Uncertain significance (2). Last evaluated 2022-02-24.

Conditions:
Inborn genetic diseases. Identifiers: MedGen C0950123, MeSH D030342.

Allele frequency attached by ClinVar (database versions not stated): 1000 Genomes Project 30x 0.00016; ExAC 0.00019.

Submissions (2):

Labcorp Genetics (formerly Invitae), Labcorp
Classification: Uncertain significance. Last evaluated: 2022-02-24. Review status: criteria provided, single submitter. Criteria: Invitae Variant Classification Sherloc (09022015). Collection method: clinical testing. Allele origin: germline.
Comment: In summary, the available evidence is currently insufficient to determine the role of this variant in disease. Therefore, it has been classified as a Variant of Uncertain Significance. Algorithms developed to predict the effect of missense changes on protein structure and function output the following: SIFT: "Not Available"; PolyPhen-2: "Benign"; Align-GVGD: "Not Available". The glutamine amino acid residue is found in multiple mammalian species, which suggests that this missense change does not adversely affect protein function. This variant has not been reported in the literature in individuals affected with AMH-related conditions. This variant is present in population databases (rs750351723, gnomAD 0.01%). This sequence change replaces glutamic acid, which is acidic and polar, with glutamine, which is neutral and polar, at codon 256 of the AMH protein (p.Glu256Gln).

Ambry Genetics
Classification: Uncertain significance for Inborn genetic diseases. Last evaluated: 2021-10-29. Review status: criteria provided, single submitter. Criteria: Ambry Variant Classification Scheme 2023. Collection method: clinical testing. Allele origin: germline.